The following is an entry in ClinVar:

ClinVar aggregate classification (germline): Benign/Likely benign. Review status: criteria provided, multiple submitters, no conflicts (2 of 4 stars). 2 submissions from 2 submitters: Benign (1); Likely benign (1). Last evaluated 2022-02-22.

Submissions (2):

Women's Health and Genetics/Laboratory Corporation of America, LabCorp
Classification: Benign. Last evaluated: 2022-02-22. Review status: criteria provided, single submitter. Criteria: LabCorp Variant Classification Summary - May 2015. Collection method: clinical testing. Allele origin: germline.
Comment: Variant summary: STAT3 c.469-34_469-30delTACTT is located at a position not widely known to affect splicing. 4/4 computational tools predict no significant impact on normal splicing. However, these predictions have yet to be confirmed by functional studies. The variant allele was found at a frequency of 0.0022 in 246318 control chromosomes in the gnomAD database, including 6 homozygotes. The observed variant frequency is approximately significantly higher than the estimated maximal expected allele frequency for a pathogenic variant in STAT3 causing Hyper IgE Syndrome phenotype (2.2e-06), strongly suggesting that the variant is benign. To our knowledge, no occurrence of c.469-34_469-30delTACTT in individuals affected with Hyper IgE Syndrome and no experimental evidence demonstrating its impact on protein function have been reported. One clinical diagnostic laboratory has submitted clinical-significance assessments for this variant to ClinVar after 2014 without evidence for independent evaluation. One laboratory classified the variant as benign/likely benign. Based on the evidence outlined above, the variant was classified as benign.

GeneDx
Classification: Likely benign. Last evaluated: 2018-07-26. Review status: criteria provided, single submitter. Criteria: GeneDx Variant Classification Process June 2021. Collection method: clinical testing. Allele origin: germline. Affected: yes.

STAT3:c.469-34_469-30del

Gene: STAT3 (signal transducer and activator of transcription 3; minus strand). Cytogenetic location: 17q21.2.
Variant type: Deletion.
Molecular consequence: intron variant (on NM_139276.3).
Genome position: GRCh38 VCF-style: chr17-42338841-GAAGTA-G. GRCh37 (hg19) VCF-style: chr17-40490859-GAAGTA-G.
Other names: c.373-34_373-30del (NM_001384989.1); c.469-34_469-30del (NM_001384992.1, NM_001384984.1, NM_001369519.1 and 16 more transcripts); c.391-34_391-30del (NM_001384985.1); c.469-34delTACTT (NM_139276.2); c.469-34_469-30delTACTT (NM_139276.2).
Identifiers: ClinVar variation 36792 (VCV000036792.7), dbSNP rs140846959, ClinGen allele CA260551.